The following is an entry in ClinVar:

NM_002230.4(JUP):c.253G>A (p.Val85Met)

Gene: JUP (junction plakoglobin; minus strand). Cytogenetic location: 17q21.2.
Variant type: single nucleotide variant.
Coding change: c.253G>A on transcript NM_002230.4 (MANE Select); coding-DNA position 253, G replaced by A.
Protein change: p.Val85Met; replaces valine 85 with methionine.
Molecular consequence: missense variant.
Genome position (GRCh38, 1-based): chr17:41,769,633, C>T on the plus strand (G>A on the coding strand, the complement: JUP is on the minus strand). VCF-style: chr17-41769633-C-T. GRCh37 (hg19) VCF-style: chr17-39925885-C-T.
Other names: c.253G>A, p.Val85Met (NM_001352773.2, NM_001352774.2, NM_001352775.2 and 3 more transcripts); short protein forms V85M.
Identifiers: ClinVar variation 3531617 (VCV003531617.1).

ClinVar aggregate classification (germline): Uncertain significance (1 of 4 stars; one submission).

Conditions:
Cardiovascular phenotype. Identifiers: MedGen CN230736.

gnomAD v4.1: 4 of 1,606,546 alleles (0.00025%); highest among the groups gnomAD compares: Non-Finnish European, 0.00034%; no homozygotes.

Submission:

Ambry Genetics
Classification: Uncertain significance for Cardiovascular phenotype. Last evaluated: 2024-08-12. Review status: criteria provided, single submitter. Criteria: Ambry Variant Classification Scheme 2023. Collection method: clinical testing. Allele origin: germline.
Comment: The p.V85M variant (also known as c.253G>A), located in coding exon 2 of the JUP gene, results from a G to A substitution at nucleotide position 253. The valine at codon 85 is replaced by methionine, an amino acid with highly similar properties. This amino acid position is conserved. In addition, this alteration is predicted to be tolerated by in silico analysis. Based on the available evidence, the clinical significance of this variant remains unclear.